The following is an entry in ClinVar:

ClinVar aggregate classification (germline): Uncertain significance. Review status: criteria provided, multiple submitters, no conflicts (2 of 4 stars). 4 submissions from 4 submitters: Uncertain significance (4). Last evaluated 2022-12-07.

Conditions:
Asphyxiating thoracic dystrophy 3. Also called: SHORT-RIB THORACIC DYSPLASIA 3 WITH OR WITHOUT POLYDACTYLY; Saldino-Noonan Syndrome; POLYDACTYLY WITH NEONATAL CHONDRODYSTROPHY, TYPE I; SHORT-RIB THORACIC DYSPLASIA 3/6 WITH POLYDACTYLY, DIGENIC; Short rib polydactyly syndrome 2B. Identifiers: Orphanet 474, Orphanet 93269, Orphanet 93270, Orphanet 93271, MedGen C0036069, MONDO:0013127, OMIM 613091.
Inborn genetic diseases. Identifiers: MedGen C0950123, MeSH D030342.

Allele frequency attached by ClinVar (database versions not stated): gnomAD exomes 0.00003; ExAC 0.00004; gnomAD 0.00015; TOPMed 0.00019; ESP Exome Variant Server 0.00025; 1000 Genomes Project 0.00040; 1000 Genomes Project 30x 0.00047.
gnomAD v4.1: 43 of 1,609,760 alleles (0.0027%); highest among the groups gnomAD compares: African/African-American, 0.054%; no homozygotes.

Submissions (4):

Blueprint Genetics
Classification: Uncertain significance. Last evaluated: 2022-12-07. Review status: criteria provided, single submitter. Criteria: ACMG Guidelines, 2015. Collection method: clinical testing. Allele origin: germline.

Clinical Genomics Laboratory, Stanford Medicine
Classification: Uncertain significance for Asphyxiating thoracic dystrophy 3. Last evaluated: 2022-10-24. Review status: criteria provided, single submitter. Criteria: ACMG Guidelines, 2015. Collection method: clinical testing. Allele origin: germline. Observed: 1 variant allele, 1 heterozygote.

GeneDx
Classification: Uncertain significance. Last evaluated: 2022-01-06. Review status: criteria provided, single submitter. Criteria: GeneDx Variant Classification Process June 2021. Collection method: clinical testing. Allele origin: germline. Affected: yes.
Comment: In silico analysis supports that this missense variant has a deleterious effect on protein structure/function; Has not been previously published as pathogenic or benign to our knowledge

Ambry Genetics
Classification: Uncertain significance for Inborn genetic diseases. Last evaluated: 2021-10-12. Review status: criteria provided, single submitter. Criteria: Ambry Variant Classification Scheme 2023. Collection method: clinical testing. Allele origin: germline.

NM_001377.3(DYNC2H1):c.3607G>A (p.Glu1203Lys)

Gene: DYNC2H1 (dynein cytoplasmic 2 heavy chain 1; plus strand). Cytogenetic location: 11q22.3.
Variant type: single nucleotide variant.
Coding change: c.3607G>A on transcript NM_001377.3 (MANE Select); coding-DNA position 3607, G replaced by A.
Protein change: p.Glu1203Lys; replaces glutamic acid 1203 with lysine.
Molecular consequence: missense variant.
Genome position (GRCh38, 1-based): chr11:103,155,364, G>A. VCF-style: chr11-103155364-G-A. GRCh37 (hg19) VCF-style: chr11-103026093-G-A.
Other names: c.3607G>A, p.Glu1203Lys (NM_001080463.2); short protein forms E1203K.
Identifiers: ClinVar variation 1695446 (VCV001695446.7), dbSNP rs202051528, ClinGen allele CA6253361.